The following is an entry in ClinVar:

ClinVar aggregate classification (germline): Likely benign. Review status: criteria provided, multiple submitters, no conflicts (2 of 4 stars). 2 submissions from 2 submitters: Likely benign (2). Last evaluated 2025-03-27.

Conditions:
Aortic aneurysm, familial thoracic 8 (AAT8). Identifiers: MedGen C3809513, MONDO:0014187, OMIM 615436.

Submissions (2):

Labcorp Genetics (formerly Invitae), Labcorp
Classification: Likely benign for Aortic aneurysm, familial thoracic 8. Last evaluated: 2025-03-27. Review status: criteria provided, single submitter. Criteria: Invitae Variant Classification Sherloc (09022015). Collection method: clinical testing. Allele origin: germline.

Women's Health and Genetics/Laboratory Corporation of America, LabCorp
Classification: Likely benign. Last evaluated: 2024-10-07. Review status: criteria provided, single submitter. Criteria: LabCorp Variant Classification Summary - May 2015. Collection method: clinical testing. Allele origin: germline.
Comment: Variant summary: PRKG1 c.1299C>A alters a conserved nucleotide resulting in a synonymous change. Consensus agreement among computation tools predict no significant impact on normal splicing. However, these predictions have yet to be confirmed by functional studies. The variant allele was found at a frequency of 4e-06 in 250158 control chromosomes. The available data on variant occurrences in the general population are insufficient to allow any conclusion about variant significance. To our knowledge, no occurrence of c.1299C>A in individuals affected with Thoracic Aortic Aneurysms And Dissections and no experimental evidence demonstrating its impact on protein function have been reported. ClinVar contains an entry for this variant (Variation ID: 2902147). Based on the evidence outlined above, the variant was classified as likely benign.

NM_006258.4(PRKG1):c.1299C>A (p.Ser433=)

Gene: PRKG1 (protein kinase cGMP-dependent 1; plus strand). Cytogenetic location: 10q21.1.
Variant type: single nucleotide variant.
Coding change: c.1299C>A on transcript NM_006258.4 (MANE Select); coding-DNA position 1299, C replaced by A.
Protein change: p.Ser433=; no amino-acid change (serine 433 retained).
Molecular consequence: synonymous variant.
Genome position (GRCh38, 1-based): chr10:52,271,475, C>A. VCF-style: chr10-52271475-C-A. GRCh37 (hg19) VCF-style: chr10-54031235-C-A.
Other names: c.1254C>A, p.Ser418= (NM_001098512.3); c.90C>A, p.Ser30= (NM_001374781.1).
Identifiers: ClinVar variation 2902147 (VCV002902147.4), dbSNP rs145035655, ClinGen allele CA5503803.